The following is an entry in ClinVar:

ClinVar aggregate classification (germline): Pathogenic. Review status: criteria provided, multiple submitters, no conflicts (2 of 4 stars). 5 submissions from 5 submitters: Pathogenic (5). Last evaluated 2023-05-01.

Conditions:
Hereditary breast ovarian cancer syndrome. Also called: Hereditary breast and ovarian cancer syndrome; Hereditary breast and ovarian cancer; Hereditary breast and ovarian cancer syndrome (HBOC); Breast and ovarian cancer; Hereditary breast and/or ovarian cancer syndrome; BRCA1- and BRCA2-Associated Hereditary Breast and Ovarian Cancer. Identifiers: Orphanet 145, MedGen C0677776, MeSH D061325, MONDO:0003582. Disease mechanism: loss of function.
Hereditary cancer-predisposing syndrome. Also called: Neoplastic Syndromes, Hereditary; Tumor predisposition; Hereditary neoplastic syndrome; Hereditary Cancer Syndrome. Identifiers: Orphanet 140162, MedGen C0027672, MeSH D009386, MONDO:0015356.
Breast-ovarian cancer, familial, susceptibility to, 2 (BROVCA2). Also called: BRCA2 Hereditary Breast and Ovarian Cancer. Identifiers: Orphanet 145, MedGen C2675520, MONDO:0012933, OMIM 612555. Disease mechanism: loss of function.

Submissions (5):

Ambry Genetics
Classification: Pathogenic for Hereditary cancer-predisposing syndrome. Last evaluated: 2023-05-01. Review status: criteria provided, single submitter. Criteria: Ambry Variant Classification Scheme 2023. Collection method: clinical testing. Allele origin: germline.
Comment: The c.516+1G>A intronic pathogenic mutation results from a G to A substitution one nucleotide after coding exon 5 of the BRCA2 gene. This alteration has been previously detected in multiple individuals in six unrelated Belgian families with breast cancer; RNA studies showed that this alteration led to skipping of multiple exons (Claes K et al. Genes Chromosomes Cancer. 2003 Jul;37:314-20; Claes K et al. Br. J. Cancer. 2004 Mar;90(6):1244-51; Machackova E et al. BMC Cancer. 2008 May;8:140). This alteration has also been detected in 1/313 unselected Chinese breast cancer patients (Li G. et al J. Cancer Res. Clin. Oncol. 2017 Oct;143(10):2011-2024). Of note, this alteration is also designated as IVS6+1G>A in published literature. This variant is considered to be rare based on population cohorts in the Genome Aggregation Database (gnomAD). This nucleotide position is highly conserved in available vertebrate species. In silico splice site analysis predicts that this alteration will weaken the native splice donor site. In addition to the clinical data presented in the literature, alterations that disrupt the canonical splice site are expected to cause aberrant splicing, resulting in an abnormal protein or a transcript that is subject to nonsense-mediated mRNA decay. As such, this alteration is classified as a disease-causing mutation.

Labcorp Genetics (formerly Invitae), Labcorp
Classification: Pathogenic for Hereditary breast ovarian cancer syndrome. Last evaluated: 2021-01-18. Review status: criteria provided, single submitter. Criteria: Invitae Variant Classification Sherloc (09022015). Collection method: clinical testing. Allele origin: germline.
Comment: This sequence change affects a donor splice site in intron 6 of the BRCA2 gene. It is expected to disrupt RNA splicing and likely results in an absent or disrupted protein product. This variant is not present in population databases (ExAC no frequency). This variant has been reported in the literature in individuals affected with breast cancer (PMID: 12759930, 28664449). ClinVar contains an entry for this variant (Variation ID: 51786). Experimental studies using patient lymphoblastoid cells have shown that this intronic change leads to multiple alternative transcripts, skipping exons 5, 6, and 5 and 6, resulting in truncated protein products (PMID: 12759930, 18489799). Donor and acceptor splice site variants typically lead to a loss of protein function (PMID: 16199547), and loss-of-function variants in BRCA2 are known to be pathogenic (PMID: 20104584). For these reasons, this variant has been classified as Pathogenic.

GeneDx
Classification: Pathogenic. Last evaluated: 2017-05-09. Review status: criteria provided, single submitter. Criteria: GeneDx Variant Classification (06012015). Collection method: clinical testing. Allele origin: germline. Affected: yes.
Comment: This pathogenic variant is denoted BRCA2 c.516+1G>A or IVS6+1G>A and consists of a G>A nucleotide substitution at the +1 position of intron 6 of the BRCA2 gene. Using alternate nomenclature, this variant would be defined as BRCA2 744+1G>A. The variant destroys a canonical splice donor site and is predicted to cause abnormal gene splicing, leading to either an abnormal message that is subject to nonsense-mediated mRNA decay or to an abnormal protein product. This variant has been reported in several breast and/or ovarian cancer patients of Belgian decent and has been shown, via RT-PCR, to result in three out-of-frame transcripts, all resulting in a premature stop codon (Claes 2003, Claes 2004, Machackova 2008). We consider this variant to be pathogenic.

Women's Health and Genetics/Laboratory Corporation of America, LabCorp
Classification: Pathogenic for Hereditary breast ovarian cancer syndrome. Last evaluated: 2016-01-29. Review status: criteria provided, single submitter. Criteria: LabCorp Variant Classification Summary - May 2015. Collection method: clinical testing. Allele origin: germline.

Consortium of Investigators of Modifiers of BRCA1/2 (CIMBA), c/o University of Cambridge
Classification: Pathogenic for Breast-ovarian cancer, familial, susceptibility to, 2. Last evaluated: 2015-10-02. Review status: criteria provided, single submitter. Criteria: CIMBA Mutation Classification guidelines May 2016. Collection method: clinical testing. Allele origin: germline.

Literature cited by the submitters: PubMed 12759930 (cited by 3 submitters); PubMed 15026808 (cited by Ambry Genetics); PubMed 18489799 (cited by Ambry Genetics and Labcorp Genetics (formerly Invitae), Labcorp); PubMed 28664449 (cited by Ambry Genetics and Labcorp Genetics (formerly Invitae), Labcorp); PubMed 16199547 (cited by Labcorp Genetics (formerly Invitae), Labcorp); PubMed 20104584 (cited by Labcorp Genetics (formerly Invitae), Labcorp); PubMed 22798144 (cited by Women's Health and Genetics/Laboratory Corporation of America, LabCorp).

NM_000059.4(BRCA2):c.516+1G>A

Gene: BRCA2 (BRCA2 DNA repair associated; plus strand). Cytogenetic location: 13q13.1.
Variant type: single nucleotide variant.
Coding change: c.516+1G>A on transcript NM_000059.4 (MANE Select); the canonical splice donor site of the intron after coding-DNA position 516, G replaced by A.
Molecular consequence: splice donor variant.
Genome position (GRCh38, 1-based): chr13:32,326,283, G>A. VCF-style: chr13-32326283-G-A. GRCh37 (hg19) VCF-style: chr13-32900420-G-A.
Other names: c.516+1G>A (NM_001406720.1, NM_001406719.1, NM_001406721.1); c.147+1G>A (NM_001406722.1).
Identifiers: ClinVar variation 51786 (VCV000051786.20), dbSNP rs397507762, ClinGen allele CA021479.